The following is an entry in ClinVar:

NM_000233.4(LHCGR):c.136G>A (p.Gly46Ser)

Genes: LHCGR (luteinizing hormone/choriogonadotropin receptor; minus strand), STON1-GTF2A1L (STON1-GTF2A1L readthrough; plus strand). Cytogenetic location: 2p16.3.
Variant type: single nucleotide variant.
Coding change: c.136G>A on transcript NM_000233.4 (MANE Select); coding-DNA position 136, G replaced by A.
Protein change: p.Gly46Ser; replaces glycine 46 with serine.
Molecular consequence: missense variant. On other transcripts: intron variant (1).
Genome position (GRCh38, 1-based): chr2:48,755,536, C>T on the plus strand (G>A on the coding strand, the complement: LHCGR is on the minus strand). VCF-style: chr2-48755536-C-T. GRCh37 (hg19) VCF-style: chr2-48982675-C-T.
Other names: c.3442-20744C>T (NM_001198593.2); short protein forms G46S.
Identifiers: ClinVar variation 3290594 (VCV003290594.3).

ClinVar aggregate classification (germline): Uncertain significance. Review status: criteria provided, multiple submitters, no conflicts (2 of 4 stars). 2 submissions from 2 submitters: Uncertain significance (2). Last evaluated 2024-04-08.

Conditions:
Inborn genetic diseases. Identifiers: MedGen C0950123, MeSH D030342.

gnomAD v4.1: 15 of 1,541,504 alleles (0.00097%); highest among the groups gnomAD compares: Non-Finnish European, 0.0011%; no homozygotes.

Submissions (2):

Ambry Genetics
Classification: Uncertain significance for Inborn genetic diseases. Last evaluated: 2024-04-08. Review status: criteria provided, single submitter. Criteria: Ambry Variant Classification Scheme 2023. Collection method: clinical testing. Allele origin: germline.

Genetic Services Laboratory, University of Chicago
Classification: Uncertain significance. Last evaluated: 2023-03-01. Review status: criteria provided, single submitter. Criteria: ACMG Guidelines, 2015. Collection method: clinical testing. Allele origin: germline. Affected: no.
Comment: DNA sequence analysis of the LHCGR gene demonstrated a sequence change, c.136G>A, in exon 1 that results in an amino acid change, p.Gly46Ser. This sequence change does not appear to have been previously described in individuals with LHCGR-related disorders. This sequence change has been described in the gnomAD database in one individual which corresponds to a population frequency of 0.0007% (dbSNP rs376613983). The p.Gly46Ser change affects a moderately conserved amino acid residue located in a domain of the LHCGR protein that is known to be functional. The p.Gly46Ser substitution appears to be benign using several in-silico pathogenicity prediction tools (SIFT, PolyPhen2, Align GVGD, REVEL). Due to insufficient evidence and the lack of functional studies, the clinical significance of the p.Gly46Ser change remains unknown at this time.